The following is an entry in ClinVar:

ClinVar aggregate classification (germline): Uncertain significance. Review status: criteria provided, multiple submitters, no conflicts (2 of 4 stars). 2 submissions from 2 submitters: Uncertain significance (2). Last evaluated 2025-12-08.

Allele frequency attached by ClinVar (database versions not stated): gnomAD 0.00003; ExAC 0.00006; TOPMed 0.00007; gnomAD exomes 0.00014; ESP Exome Variant Server 0.00015.
gnomAD v4.1: 217 of 1,613,964 alleles (0.013%); highest among the groups gnomAD compares: Non-Finnish European, 0.017%; no homozygotes.

Submissions (2):

Labcorp Genetics (formerly Invitae), Labcorp
Classification: Uncertain significance. Last evaluated: 2025-12-08. Review status: criteria provided, single submitter. Criteria: Invitae Variant Classification Sherloc (09022015). Collection method: clinical testing. Allele origin: germline.
Comment: This sequence change replaces cysteine, which is neutral and slightly polar, with tyrosine, which is neutral and polar, at codon 561 of the ADGRE2 protein (p.Cys561Tyr). This variant is present in population databases (rs370041623, gnomAD 0.02%). This variant has not been reported in the literature in individuals affected with ADGRE2-related conditions. ClinVar contains an entry for this variant (Variation ID: 2150449). An algorithm developed to predict the effect of missense changes on protein structure and function (PolyPhen-2) suggests that this variant is likely to be disruptive. In summary, the available evidence is currently insufficient to determine the role of this variant in disease. Therefore, it has been classified as a Variant of Uncertain Significance.

Ambry Genetics
Classification: Uncertain significance. Last evaluated: 2025-09-10. Review status: criteria provided, single submitter. Criteria: Ambry Variant Classification Scheme 2023. Collection method: clinical testing. Allele origin: germline.

NM_013447.4(ADGRE2):c.1682G>A (p.Cys561Tyr)

Gene: ADGRE2 (adhesion G protein-coupled receptor E2; minus strand). Cytogenetic location: 19p13.12.
Variant type: single nucleotide variant.
Coding change: c.1682G>A on transcript NM_013447.4 (MANE Select); coding-DNA position 1682, G replaced by A.
Protein change: p.Cys561Tyr; replaces cysteine 561 with tyrosine.
Molecular consequence: missense variant.
Genome position (GRCh38, 1-based): chr19:14,752,435, C>T on the plus strand (G>A on the coding strand, the complement: ADGRE2 is on the minus strand). VCF-style: chr19-14752435-C-T. GRCh37 (hg19) VCF-style: chr19-14863247-C-T.
Other names: c.1508G>A, p.Cys503Tyr (NM_001271052.1); c.1535G>A, p.Cys512Tyr (NM_152916.2); c.1403G>A, p.Cys468Tyr (NM_152917.2); c.1682G>A (NM_013447.2); short protein forms C468Y, C512Y, C503Y, C561Y.
Identifiers: ClinVar variation 2150449 (VCV002150449.7), dbSNP rs370041623, ClinGen allele CA9257636.